The following is an entry in ClinVar:

NM_000574.5(CD55):c.976C>G (p.Gln326Glu)

Gene: CD55 (CD55 molecule (Cromer blood group); plus strand). Cytogenetic location: 1q32.2.
Variant type: single nucleotide variant.
Coding change: c.976C>G on transcript NM_000574.5 (MANE Select); coding-DNA position 976, C replaced by G.
Protein change: p.Gln326Glu; replaces glutamine 326 with glutamic acid.
Molecular consequence: missense variant. On other transcripts: non-coding transcript variant (1).
Genome position (GRCh38, 1-based): chr1:207,336,815, C>G. VCF-style: chr1-207336815-C-G. GRCh37 (hg19) VCF-style: chr1-207510160-C-G.
Other names: c.976C>G, p.Gln326Glu (NM_001114752.3, NM_001300902.2, NM_001300903.2 and 1 more transcripts); short protein forms Q326E.
Identifiers: ClinVar variation 1497158 (VCV001497158.7), dbSNP rs1196563333, ClinGen allele CA344519197.

ClinVar aggregate classification (germline): Uncertain significance (1 of 4 stars; one submission).

Allele frequency attached by ClinVar (database versions not stated): gnomAD exomes below 0.00001.

Submission:

Labcorp Genetics (formerly Invitae), Labcorp
Classification: Uncertain significance. Last evaluated: 2021-06-07. Review status: criteria provided, single submitter. Criteria: Invitae Variant Classification Sherloc (09022015). Collection method: clinical testing. Allele origin: germline.
Comment: This sequence change replaces glutamine with glutamic acid at codon 326 of the CD55 protein (p.Gln326Glu). The glutamine residue is weakly conserved and there is a small physicochemical difference between glutamine and glutamic acid. This variant is not present in population databases (ExAC no frequency). This variant has not been reported in the literature in individuals with CD55-related conditions. Algorithms developed to predict the effect of missense changes on protein structure and function (SIFT, PolyPhen-2, Align-GVGD) all suggest that this variant is likely to be tolerated, but these predictions have not been confirmed by published functional studies and their clinical significance is uncertain. In summary, the available evidence is currently insufficient to determine the role of this variant in disease. Therefore, it has been classified as a Variant of Uncertain Significance.